The following is an entry in ClinVar:

ClinVar aggregate classification (germline): Uncertain significance. Review status: criteria provided, multiple submitters, no conflicts (2 of 4 stars). 2 submissions from 2 submitters: Uncertain significance (2). Last evaluated 2025-08-09.

Conditions:
Inborn genetic diseases. Identifiers: MedGen C0950123, MeSH D030342.

Allele frequency attached by ClinVar (database versions not stated): gnomAD exomes below 0.00001; TOPMed below 0.00001; ExAC 0.00002.

Submissions (2):

Ambry Genetics
Classification: Uncertain significance for Inborn genetic diseases. Last evaluated: 2025-08-09. Review status: criteria provided, single submitter. Criteria: Ambry Variant Classification Scheme 2023. Collection method: clinical testing. Allele origin: germline.

Labcorp Genetics (formerly Invitae), Labcorp
Classification: Uncertain significance. Last evaluated: 2023-10-13. Review status: criteria provided, single submitter. Criteria: Invitae Variant Classification Sherloc (09022015). Collection method: clinical testing. Allele origin: germline.
Comment: This sequence change replaces glycine, which is neutral and non-polar, with valine, which is neutral and non-polar, at codon 3102 of the SRCAP protein (p.Gly3102Val). This variant is present in population databases (rs768263089, gnomAD 0.003%). This variant has not been reported in the literature in individuals affected with SRCAP-related conditions. ClinVar contains an entry for this variant (Variation ID: 1429309). Advanced modeling of protein sequence and biophysical properties (such as structural, functional, and spatial information, amino acid conservation, physicochemical variation, residue mobility, and thermodynamic stability) performed at Invitae indicates that this missense variant is not expected to disrupt SRCAP protein function. In summary, the available evidence is currently insufficient to determine the role of this variant in disease. Therefore, it has been classified as a Variant of Uncertain Significance.

NM_006662.3(SRCAP):c.9305G>T (p.Gly3102Val)

Gene: SRCAP (Snf2 related CREBBP activator protein; plus strand). Cytogenetic location: 16p11.2.
Variant type: single nucleotide variant.
Coding change: c.9305G>T on transcript NM_006662.3 (MANE Select); coding-DNA position 9305, G replaced by T.
Protein change: p.Gly3102Val; replaces glycine 3102 with valine.
Molecular consequence: missense variant.
Genome position (GRCh38, 1-based): chr16:30,739,345, G>T. VCF-style: chr16-30739345-G-T. GRCh37 (hg19) VCF-style: chr16-30750666-G-T.
Other names: c.9305G>T (NM_006662.2); short protein forms G3102V.
Identifiers: ClinVar variation 1429309 (VCV001429309.7), dbSNP rs768263089, ClinGen allele CA8012888.